The following is an entry in ClinVar:

NM_003850.3(SUCLA2):c.920C>T (p.Ala307Val)

Gene: SUCLA2 (succinate-CoA ligase ADP-forming subunit beta; minus strand). Cytogenetic location: 13q14.2.
Variant type: single nucleotide variant.
Coding change: c.920C>T on transcript NM_003850.3 (MANE Select); coding-DNA position 920, C replaced by T.
Protein change: p.Ala307Val; replaces alanine 307 with valine.
Molecular consequence: missense variant.
Genome position (GRCh38, 1-based): chr13:47,954,440, G>A on the plus strand (C>T on the coding strand, the complement: SUCLA2 is on the minus strand). VCF-style: chr13-47954440-G-A. GRCh37 (hg19) VCF-style: chr13-48528575-G-A.
Other names: short protein forms A307V.
Identifiers: ClinVar variation 623373 (VCV000623373.10), dbSNP rs1011464708, ClinGen allele CA249257064.

ClinVar aggregate classification (germline): Pathogenic/Likely pathogenic. Review status: criteria provided, multiple submitters, no conflicts (2 of 4 stars). 5 submissions from 5 submitters: Pathogenic (1); Likely pathogenic (4). Last evaluated 2025-06-12.

Conditions:
SUCLA2-related disorder. Also called: SUCLA2-related condition.
Mitochondrial DNA depletion syndrome, encephalomyopathic form with methylmalonic aciduria (MTDPS5). Also called: MITOCHONDRIAL DNA DEPLETION SYNDROME, ENCEPHALOMYOPATHIC FORM, WITH OR WITHOUT METHYLMALONIC ACIDURIA, AUTOSOMAL RECESSIVE, SUCLA2-RELATED; Mitochondrial DNA depletion syndrome 5 (encephalomyopathic with or without methylmalonic aciduria); SUCLA2-Related Mitochondrial DNA Depletion Syndrome, Encephalomyopathic Form with Methylmalonic Aciduria; Mitochondrial encephalomyopathy aminoacidopathy. Identifiers: Orphanet 1933, MedGen C5980207, MONDO:0012791, OMIM 612073.

Allele frequency attached by ClinVar (database versions not stated): gnomAD exomes 0.00001.
gnomAD v4.1: 16 of 1,613,978 alleles (0.00099%); highest among the groups gnomAD compares: African/African-American, 0.0013%; no homozygotes.

Submissions (5):

Labcorp Genetics (formerly Invitae), Labcorp
Classification: Pathogenic for Mitochondrial DNA depletion syndrome, encephalomyopathic form with methylmalonic aciduria. Last evaluated: 2025-06-12. Review status: criteria provided, single submitter. Criteria: Invitae Variant Classification Sherloc (09022015). Collection method: clinical testing. Allele origin: germline.
Comment: This sequence change replaces alanine, which is neutral and non-polar, with valine, which is neutral and non-polar, at codon 307 of the SUCLA2 protein (p.Ala307Val). This variant is not present in population databases (gnomAD no frequency). This missense change has been observed in individual(s) with succinyl CoA ligase deficiency (PMID: 26475597, 27913098). In at least one individual the data is consistent with being in trans (on the opposite chromosome) from a pathogenic variant. It has also been observed to segregate with disease in related individuals. ClinVar contains an entry for this variant (Variation ID: 623373). Invitae Evidence Modeling of protein sequence and biophysical properties (such as structural, functional, and spatial information, amino acid conservation, physicochemical variation, residue mobility, and thermodynamic stability) indicates that this missense variant is not expected to disrupt SUCLA2 protein function with a negative predictive value of 80%. Algorithms developed to predict the effect of sequence changes on RNA splicing suggest that this variant may disrupt the consensus splice site. For these reasons, this variant has been classified as Pathogenic.

Department of Genetics, Sultan Qaboos University Hospital
Classification: Likely pathogenic for Mitochondrial DNA depletion syndrome, encephalomyopathic form with methylmalonic aciduria. Last evaluated: 2024-06-12. Review status: criteria provided, single submitter. Criteria: ACMG Guidelines, 2015. Collection method: curation. Allele origin: unknown. Affected: yes.

PreventionGenetics, part of Exact Sciences
Classification: Likely pathogenic for SUCLA2-related condition. Last evaluated: 2023-05-26. Review status: criteria provided, single submitter. Criteria: ACMG Guidelines, 2015. Collection method: clinical testing. Allele origin: germline.
Comment: The SUCLA2 c.920C>T variant is predicted to result in the amino acid substitution p.Ala307Val. This variant was reported in the homozygous and compound heterozygous states in patients with myopathy and neurological features (Huang et al. 2017. PubMed ID: 27913098; Patient P12 in Nogueira et al. 2019. PubMed ID: 30831263; Patient 13 in Carrozzo et al 2016. PubMed ID: 26475597). This variant has not been reported in a large population database, indicating this variant is rare. This variant is interpreted as likely pathogenic.

Blueprint Genetics
Classification: Likely pathogenic for SUCLA2-related disorders. Last evaluated: 2023-02-15. Review status: criteria provided, single submitter. Criteria: ACMG Guidelines, 2015. Collection method: clinical testing. Allele origin: germline. Affected: yes. Observed: 2 variant alleles.

Mendelics
Classification: Likely pathogenic for Mitochondrial DNA depletion syndrome, encephalomyopathic form with methylmalonic aciduria. Last evaluated: 2019-05-28. Review status: criteria provided, single submitter. Criteria: Mendelics Assertion Criteria 2017. Collection method: clinical testing. Allele origin: unknown.

Literature cited by the submitters: PubMed 26475597 (cited by Labcorp Genetics (formerly Invitae), Labcorp); PubMed 27913098 (cited by Labcorp Genetics (formerly Invitae), Labcorp).